The following is an entry in ClinVar:

NM_001042432.2(CLN3):c.516C>T (p.Leu172=)

Gene: CLN3 (CLN3 lysosomal/endosomal transmembrane protein, battenin; minus strand). Cytogenetic location: 16p12.1.
Variant type: single nucleotide variant.
Coding change: c.516C>T on transcript NM_001042432.2 (MANE Select); coding-DNA position 516, C replaced by T.
Protein change: p.Leu172=; no amino-acid change (leucine 172 retained).
Molecular consequence: synonymous variant.
Genome position (GRCh38, 1-based): chr16:28,486,595, G>A on the plus strand (C>T on the coding strand, the complement: CLN3 is on the minus strand). VCF-style: chr16-28486595-G-A. GRCh37 (hg19) VCF-style: chr16-28497916-G-A.
Other names: p.L172L:CTC>CTT; c.516C>T, p.Leu172= (NM_000086.2); c.444C>T, p.Leu148= (NM_001286104.2); c.216C>T, p.Leu72= (NM_001286105.2); c.282C>T, p.Leu94= (NM_001286109.2); c.354C>T, p.Leu118= (NM_001286110.2).
Identifiers: ClinVar variation 136789 (VCV000136789.23), dbSNP rs148846795, ClinGen allele CA290126.

ClinVar aggregate classification (germline): Conflicting classifications of pathogenicity. Review status: criteria provided, conflicting classifications (1 of 4 stars). 8 submissions from 8 submitters: Uncertain significance (1); Benign (1); Likely benign (4). 2 of the submissions do not count toward it. Last evaluated 2026-01-28.

Conditions:
Inborn genetic diseases. Identifiers: MedGen C0950123, MeSH D030342.
Neuronal ceroid lipofuscinosis. Also called: Neuronal Ceroid Lipofuscinoses. Identifiers: Orphanet 216, Orphanet 79263, MedGen C0027877, MONDO:0016295. Disease mechanism: loss of function.
Neuronal ceroid lipofuscinosis 3 (CLN3). Identifiers: Orphanet 228346, MedGen C0751383, MONDO:0008767, OMIM 204200.

Allele frequency attached by ClinVar (database versions not stated): 1000 Genomes Project 30x 0.00031; 1000 Genomes Project 0.00040; TOPMed 0.00003; gnomAD 0.00004 and 0.00011; gnomAD exomes 0.00011 and 0.00020; ExAC 0.00030.
gnomAD v4.1: 176 of 1,611,296 alleles (0.011%); highest among the groups gnomAD compares: South Asian, 0.11%; 1 homozygote.

Submissions (8):

Labcorp Genetics (formerly Invitae), Labcorp
Classification: Likely benign for Neuronal ceroid lipofuscinosis. Last evaluated: 2026-01-28. Review status: criteria provided, single submitter. Criteria: Invitae Variant Classification Sherloc (09022015). Collection method: clinical testing. Allele origin: germline.

Blueprint Genetics
Classification: Likely benign. Last evaluated: 2024-10-04. Review status: criteria provided, single submitter. Criteria: ACMG Guidelines, 2015. Collection method: clinical testing. Allele origin: germline.

Genome-Nilou Lab
Classification: Likely benign for Neuronal ceroid lipofuscinosis 3. Last evaluated: 2021-08-10. Review status: criteria provided, single submitter. Criteria: ACMG Guidelines, 2015. Collection method: clinical testing. Allele origin: germline. Affected: no.

Ambry Genetics
Classification: Likely benign for Inborn genetic diseases. Last evaluated: 2018-08-17. Review status: criteria provided, single submitter. Criteria: Ambry Variant Classification Scheme 2023. Collection method: clinical testing. Allele origin: germline.

Illumina Laboratory Services, Illumina
Classification: Uncertain significance for Neuronal ceroid lipofuscinosis 3. Last evaluated: 2018-01-13. Review status: criteria provided, single submitter. Criteria: ICSL Variant Classification Criteria 13 December 2019. Collection method: clinical testing. Allele origin: germline.

GeneDx
Classification: Benign. Last evaluated: 2013-10-02. Review status: criteria provided, single submitter. Criteria: GeneDx Variant Classification (06012015). Collection method: clinical testing. Allele origin: germline. Affected: yes.
Comment: This variant is considered likely benign or benign based on one or more of the following criteria: it is a conservative change, it occurs at a poorly conserved position in the protein, it is predicted to be benign by multiple in silico algorithms, and/or has population frequency not consistent with disease.

Clinical Genetics DNA and cytogenetics Diagnostics Lab, Erasmus MC, Erasmus Medical Center
Classification: Likely benign. Review status: no assertion criteria provided. Collection method: clinical testing. Allele origin: germline. Affected: yes. Study: VKGL Data-share Consensus. Not counted in ClinVar's aggregate classification.

Genome Diagnostics Laboratory, University Medical Center Utrecht
Classification: Likely benign. Review status: no assertion criteria provided. Collection method: clinical testing. Allele origin: germline. Affected: yes. Study: VKGL Data-share Consensus. Not counted in ClinVar's aggregate classification.